The following is an entry in ClinVar:

NM_004563.4(PCK2):c.943C>A (p.Arg315=)

Genes: NRL (neural retina leucine zipper; minus strand), PCK2 (phosphoenolpyruvate carboxykinase 2, mitochondrial; plus strand). Cytogenetic location: 14q11.2.
Variant type: single nucleotide variant.
Coding change: c.943C>A on transcript NM_004563.4 (MANE Select); coding-DNA position 943, C replaced by A.
Protein change: p.Arg315=; no amino-acid change (arginine 315 retained).
Molecular consequence: synonymous variant. On other transcripts: intron variant (3).
Genome position (GRCh38, 1-based): chr14:24,099,648, C>A. VCF-style: chr14-24099648-C-A. GRCh37 (hg19) VCF-style: chr14-24568857-C-A.
Other names: p.Arg315=; c.943C>A, p.Arg315= (NM_001018073.3); c.541C>A, p.Arg181= (NM_001291556.2, NM_001308054.2); c.-28+15074G>T (NM_001354768.3, NM_001354770.2); c.-253-14903G>T (NM_006177.5).
Identifiers: ClinVar variation 2751951 (VCV002751951.6), dbSNP rs781084380, ClinGen allele CA7123289.

ClinVar aggregate classification (germline): Likely benign. Review status: criteria provided, multiple submitters, no conflicts (2 of 4 stars). 3 submissions from 3 submitters: Likely benign (2). 1 of the submissions does not count toward it. Last evaluated 2025-03-10.

Conditions:
PCK2-related disorder. Also called: PCK2-related condition.

Allele frequency attached by ClinVar (database versions not stated): gnomAD 0.00005.
gnomAD v4.1: 152 of 1,613,694 alleles (0.0094%); highest among the groups gnomAD compares: Non-Finnish European, 0.012%; no homozygotes.

Submissions (3):

Mayo Clinic Laboratories, Mayo Clinic
Classification: Likely benign. Last evaluated: 2025-03-10. Review status: criteria provided, single submitter. Criteria: ACMG Guidelines, 2015. Collection method: clinical testing. Allele origin: germline. Observed: 1 variant allele.
Comment: BP4, BP7

Labcorp Genetics (formerly Invitae), Labcorp
Classification: Likely benign. Last evaluated: 2023-02-16. Review status: criteria provided, single submitter. Criteria: Invitae Variant Classification Sherloc (09022015). Collection method: clinical testing. Allele origin: germline.

PreventionGenetics, part of Exact Sciences
Classification: Likely benign for PCK2-related condition. Last evaluated: 2020-11-17. Review status: no assertion criteria provided. Collection method: clinical testing. Allele origin: germline. Not counted in ClinVar's aggregate classification.
Comment: This variant is classified as likely benign based on ACMG/AMP sequence variant interpretation guidelines (Richards et al. 2015 PMID: 25741868, with internal and published modifications).